The following is an entry in ClinVar:

ClinVar aggregate classification (germline): Uncertain significance. Review status: criteria provided, multiple submitters, no conflicts (2 of 4 stars). 3 submissions from 3 submitters: Uncertain significance (3). Last evaluated 2026-04-13.

Conditions:
CEP250-related disorder. Also called: CEP250-related condition.

Allele frequency attached by ClinVar (database versions not stated): gnomAD exomes 0.00001; TOPMed 0.00001; ExAC 0.00002; gnomAD 0.00004.
gnomAD v4.1: 25 of 1,603,222 alleles (0.0016%); highest among the groups gnomAD compares: Middle Eastern, 0.017%; no homozygotes.

Submissions (3):

PreventionGenetics, part of Exact Sciences
Classification: Uncertain significance for CEP250-related condition. Last evaluated: 2026-04-13. Review status: criteria provided, single submitter. Criteria: ACMG Guidelines, 2015. Collection method: clinical testing. Allele origin: germline.
Comment: The CEP250 c.3470G>A variant is predicted to result in the amino acid substitution p.Arg1157His. To our knowledge, this variant has not been reported in the literature. This variant is reported in 0.0020% of alleles in individuals of European (Non-Finnish) descent in gnomAD. At this time, the clinical significance of this variant is uncertain due to the absence of conclusive functional and genetic evidence.

Ambry Genetics
Classification: Uncertain significance. Last evaluated: 2024-12-11. Review status: criteria provided, single submitter. Criteria: Ambry Variant Classification Scheme 2023. Collection method: clinical testing. Allele origin: germline.

Labcorp Genetics (formerly Invitae), Labcorp
Classification: Uncertain significance. Last evaluated: 2022-02-03. Review status: criteria provided, single submitter. Criteria: Invitae Variant Classification Sherloc (09022015). Collection method: clinical testing. Allele origin: germline.
Comment: In summary, the available evidence is currently insufficient to determine the role of this variant in disease. Therefore, it has been classified as a Variant of Uncertain Significance. Algorithms developed to predict the effect of missense changes on protein structure and function output the following: SIFT: "Not Available"; PolyPhen-2: "Benign"; Align-GVGD: "Not Available". The histidine amino acid residue is found in multiple mammalian species, which suggests that this missense change does not adversely affect protein function. ClinVar contains an entry for this variant (Variation ID: 964525). This variant has not been reported in the literature in individuals affected with CEP250-related conditions. The frequency data for this variant in the population databases is considered unreliable, as metrics indicate poor data quality at this position in the gnomAD database. This sequence change replaces arginine, which is basic and polar, with histidine, which is basic and polar, at codon 1157 of the CEP250 protein (p.Arg1157His).

NM_007186.6(CEP250):c.3470G>A (p.Arg1157His)

Gene: CEP250 (centrosomal protein 250; plus strand). Cytogenetic location: 20q11.22.
Variant type: single nucleotide variant.
Coding change: c.3470G>A on transcript NM_007186.6 (MANE Select); coding-DNA position 3470, G replaced by A.
Protein change: p.Arg1157His; replaces arginine 1157 with histidine.
Molecular consequence: missense variant.
Genome position (GRCh38, 1-based): chr20:35,497,882, G>A. VCF-style: chr20-35497882-G-A. GRCh37 (hg19) VCF-style: chr20-34085711-G-A.
Other names: c.1574G>A, p.Arg525His (NM_001318219.1); c.3470G>A (NM_007186.3); short protein forms R1157H, R525H.
Identifiers: ClinVar variation 964525 (VCV000964525.10), dbSNP rs757635678, ClinGen allele CA9833476.